The following is an entry in ClinVar:

ClinVar aggregate classification (germline): Pathogenic. Review status: criteria provided, multiple submitters, no conflicts (2 of 4 stars). 4 submissions from 4 submitters: Pathogenic (4). Last evaluated 2025-07-23.

Conditions:
Cardiovascular phenotype. Identifiers: MedGen CN230736.
Hypertrophic cardiomyopathy 4. Also called: Familial hypertrophic cardiomyopathy 4. Identifiers: MedGen C1861862, MONDO:0007268, OMIM 115197.
Hypertrophic cardiomyopathy. Also called: HYPERTROPHIC MYOCARDIOPATHY. Identifiers: Orphanet 217569, MedGen C0007194, MeSH D002312, MONDO:0005045, HP:0001639.

Submissions (4):

Labcorp Genetics (formerly Invitae), Labcorp
Classification: Pathogenic for Hypertrophic cardiomyopathy. Last evaluated: 2025-07-23. Review status: criteria provided, single submitter. Criteria: Invitae Variant Classification Sherloc (09022015). Collection method: clinical testing. Allele origin: germline.
Comment: This sequence change creates a premature translational stop signal (p.Gln374*) in the MYBPC3 gene. It is expected to result in an absent or disrupted protein product. Loss-of-function variants in MYBPC3 are known to be pathogenic (PMID: 19574547). This variant is not present in population databases (gnomAD no frequency). This premature translational stop signal has been observed in individual(s) with hypertrophic cardiomyopathy (PMID: 27483260, 27532257). ClinVar contains an entry for this variant (Variation ID: 181061). For these reasons, this variant has been classified as Pathogenic.

Molecular Diagnostic Laboratory for Inherited Cardiovascular Disease, Montreal Heart Institute
Classification: Pathogenic for Cardiovascular phenotype. Last evaluated: 2023-04-13. Review status: criteria provided, single submitter. Criteria: ACMG Guidelines, 2015. Collection method: clinical testing. Allele origin: germline. Affected: yes.

Victorian Clinical Genetics Services, Murdoch Childrens Research Institute
Classification: Pathogenic for Hypertrophic cardiomyopathy 4. Last evaluated: 2022-02-02. Review status: criteria provided, single submitter. Criteria: ACMG Guidelines, 2015. Collection method: clinical testing. Allele origin: germline. Affected: yes.
Comment: Based on the classification scheme VCGS_Germline_v1.3.4, this variant is classified as Pathogenic. Following criteria are met: 0102 - Loss of function is a known mechanism of disease in this gene and is associated with hypertrophic cardiomyopathy 4 (HCM; MIM#115197). (I) 0108 - This gene is associated with both recessive and dominant disease. Dominant inheritance is frequently reported in adult onset conditions, however recessive inheritance results in a more severe early onset phenotype (OMIM). (I) 0115 - Variants in this gene are known to have variable expressivity (PMID: 32841044). (I) 0201 - Variant is predicted to cause nonsense-mediated decay (NMD) and loss of protein (premature termination codon is located at least 54 nucleotides upstream of the final exon-exon junction). (SP) 0251 - This variant is heterozygous. (I) 0301 - Variant is absent from gnomAD (both v2 and v3). (SP) 0701 - Other NMD-predicted variants comparable to the one identified in this case have very strong previous evidence for pathogenicity. These variants have been reported many times as pathogenic and observed in individuals with hypertrophic cardiomyopathy (HCM; DECIPHER). (SP) 0801 - This variant has strong previous evidence of pathogenicity in unrelated individuals. This variant has been reported as pathogenic, and observed in at least five unrelated individuals with HCM (ClinVar,, PMID: 34601892, PMID: 27483260). (SP) 1208 - Inheritance information for this variant is not currently available in this individual. (I) Legend: (SP) - Supporting pathogenic, (I) - Information, (SB) - Supporting benign

GeneDx
Classification: Pathogenic. Last evaluated: 2012-03-12. Review status: criteria provided, single submitter. Criteria: GeneDx Variant Classification (06012015). Collection method: clinical testing. Allele origin: germline. Affected: yes.
Comment: p.Gln374Stop (Q374X) at the protein level and c.1120 C>T at the cDNA level. The Gln374Stop mutation in the MYBPC3 gene has not been reported previously as a disease-causing mutation nor as a benign polymorphism. Gln374Stop is predicted to cause loss of normal protein function either through protein truncation or absence of protein product due to nonsense mediated mRNA decay. Other nonsense mutations in the MYBPC3 gene have been reported in association with HCM. Gln374Stop in the MYBPC3 gene is interpreted as a disease-causing mutation. Mutations in the MYBPC3 gene have been reported in 20%-30% of patients with autosomal dominant familial hypertrophic cardiomyopathy, and have been reported less frequently in patients with autosomal dominant familial dilated cardiomyopathy (Cirino A et al., 2011; Hershberger R et al., 2009). The variant is found in HCM panel(s).

Literature cited by the submitters: PubMed 19574547 (cited by Labcorp Genetics (formerly Invitae), Labcorp); PubMed 27483260 (cited by Labcorp Genetics (formerly Invitae), Labcorp and Victorian Clinical Genetics Services, Murdoch Childrens Research Institute); PubMed 27532257 (cited by Labcorp Genetics (formerly Invitae), Labcorp); PubMed 32841044 (cited by Victorian Clinical Genetics Services, Murdoch Childrens Research Institute); PubMed 34601892 (cited by Victorian Clinical Genetics Services, Murdoch Childrens Research Institute).

NM_000256.3(MYBPC3):c.1120C>T (p.Gln374Ter)

Gene: MYBPC3 (myosin binding protein C3; minus strand). Cytogenetic location: 11p11.2.
Variant type: single nucleotide variant.
Coding change: c.1120C>T on transcript NM_000256.3 (MANE Select); coding-DNA position 1120, C replaced by T.
Protein change: p.Gln374Ter; replaces glutamine 374 with a stop codon.
Molecular consequence: nonsense.
Genome position (GRCh38, 1-based): chr11:47,343,595, G>A on the plus strand (C>T on the coding strand, the complement: MYBPC3 is on the minus strand). VCF-style: chr11-47343595-G-A. GRCh37 (hg19) VCF-style: chr11-47365146-G-A.
Other names: p.Q374*:CAG>TAG; c.1120C>T, p.Gln374Ter (LRG_386t1); short protein forms Q374*.
Identifiers: ClinVar variation 181061 (VCV000181061.16), dbSNP rs730880635, ClinGen allele CA009800.